The following is an entry in ClinVar:

ClinVar aggregate classification (germline): Uncertain significance. Review status: criteria provided, multiple submitters, no conflicts (2 of 4 stars). 4 submissions from 3 submitters: Uncertain significance (3). 1 of the submissions does not count toward it. Last evaluated 2019-12-20.

Conditions:
Bardet-Biedl syndrome 16 (BBS16). Identifiers: Orphanet 110, MedGen C3889474, MONDO:0014444, OMIM 615993.
SDCCAG8-related disorder. Also called: SDCCAG8-related condition; SDCCAG8-Related Disorders.
Senior-Loken syndrome 7 (SLSN7). Identifiers: Orphanet 3156, MedGen C3150877, MONDO:0013326, OMIM 613615.

Allele frequency attached by ClinVar (database versions not stated): gnomAD exomes below 0.00001; gnomAD 0.00001; TOPMed 0.00001.
gnomAD v4.1: 6 of 1,614,064 alleles (0.00037%); highest among the groups gnomAD compares: Non-Finnish European, 0.00051%; no homozygotes.

Submissions (4):

Labcorp Genetics (formerly Invitae), Labcorp
Classification: Uncertain significance for Bardet-Biedl syndrome 16; Senior-Loken syndrome 7. Last evaluated: 2019-12-20. Review status: criteria provided, single submitter. Criteria: Invitae Variant Classification Sherloc (09022015). Collection method: clinical testing. Allele origin: germline.
Comment: This sequence change replaces threonine with alanine at codon 192 of the SDCCAG8 protein (p.Thr192Ala). The threonine residue is moderately conserved and there is a small physicochemical difference between threonine and alanine. This variant is not present in population databases (ExAC no frequency). In summary, the available evidence is currently insufficient to determine the role of this variant in disease. Therefore, it has been classified as a Variant of Uncertain Significance. Algorithms developed to predict the effect of sequence changes on RNA splicing suggest that this variant may create or strengthen a splice site, but this prediction has not been confirmed by published transcriptional studies. Algorithms developed to predict the effect of missense changes on protein structure and function output the following: SIFT: "Tolerated"; PolyPhen-2: "Benign"; Align-GVGD: "Class C0". The alanine amino acid residue is found in multiple mammalian species, suggesting that this missense change does not adversely affect protein function. These predictions have not been confirmed by published functional studies and their clinical significance is uncertain. This variant has not been reported in the literature in individuals with SDCCAG8-related conditions.

Illumina Laboratory Services, Illumina
Classification: Uncertain significance for Senior-Loken syndrome 7. Last evaluated: 2018-01-12. Review status: criteria provided, single submitter. Criteria: ICSL Variant Classification Criteria 13 December 2019. Collection method: clinical testing. Allele origin: germline.

Illumina Laboratory Services, Illumina
Classification: Uncertain significance for Bardet-Biedl syndrome 16. Last evaluated: 2018-01-12. Review status: criteria provided, single submitter. Criteria: ICSL Variant Classification Criteria 13 December 2019. Collection method: clinical testing. Allele origin: germline.

PreventionGenetics, part of Exact Sciences
Classification: Uncertain significance for SDCCAG8-related condition. Last evaluated: 2024-06-04. Review status: no assertion criteria provided. Collection method: clinical testing. Allele origin: germline. Not counted in ClinVar's aggregate classification.
Comment: The SDCCAG8 c.574A>G variant is predicted to result in the amino acid substitution p.Thr192Ala. To our knowledge, this variant has not been reported in the literature. This variant is reported in 0.0065% of alleles in individuals of European (Non-Finnish) descent in gnomAD. At this time, the clinical significance of this variant is uncertain due to the absence of conclusive functional and genetic evidence.

NM_006642.5(SDCCAG8):c.574A>G (p.Thr192Ala)

Gene: SDCCAG8 (SHH signaling and ciliogenesis regulator SDCCAG8; plus strand). Cytogenetic location: 1q43.
Variant type: single nucleotide variant.
Coding change: c.574A>G on transcript NM_006642.5 (MANE Select); coding-DNA position 574, A replaced by G.
Protein change: p.Thr192Ala; replaces threonine 192 with alanine.
Molecular consequence: missense variant. On other transcripts: 5 prime UTR variant (3).
Genome position (GRCh38, 1-based): chr1:243,293,118, A>G. VCF-style: chr1-243293118-A-G. GRCh37 (hg19) VCF-style: chr1-243456420-A-G.
Other names: c.-539A>G (NM_001350246.2); c.-427A>G (NM_001350247.2); c.574A>G, p.Thr192Ala (NM_001350248.2); c.280A>G, p.Thr94Ala (NM_001350249.2); c.-800A>G (NM_001350251.2); short protein forms T94A, T192A.
Identifiers: ClinVar variation 862596 (VCV000862596.14), dbSNP rs1003029505, ClinGen allele CA40423993.